The following is an entry in ClinVar:

NM_001851.6(COL9A1):c.88+151T>A

Gene: COL9A1 (collagen type IX alpha 1 chain; minus strand). Cytogenetic location: 6q13.
Variant type: single nucleotide variant.
Coding change: c.88+151T>A on transcript NM_001851.6 (MANE Select); 151 bases into the intron after coding-DNA position 88, T replaced by A.
Molecular consequence: intron variant.
Genome position (GRCh38, 1-based): chr6:70,301,850, A>T on the plus strand (T>A on the coding strand, the complement: COL9A1 is on the minus strand). VCF-style: chr6-70301850-A-T. GRCh37 (hg19) VCF-style: chr6-71011553-A-T.
Other names: c.88+151T>A (NM_001377291.1).
Identifiers: ClinVar variation 677875 (VCV000677875.1), dbSNP rs9455035, ClinGen allele CA140830245.

ClinVar aggregate classification (germline): Benign (1 of 4 stars; one submission).

Allele frequency attached by ClinVar (database versions not stated): gnomAD 0.11871 and 0.12326; TOPMed 0.13313; 1000 Genomes Project 30x 0.20175; 1000 Genomes Project 0.20787.
gnomAD v4.1: 67,832 of 692,720 alleles (9.8%); highest among the groups gnomAD compares: East Asian, 26%; 5,285 homozygotes.

Submission:

GeneDx
Classification: Benign. Last evaluated: 2018-06-14. Review status: criteria provided, single submitter. Criteria: GeneDx Variant Classification (06012015). Collection method: clinical testing. Allele origin: germline. Affected: yes.
Comment: This variant is considered likely benign or benign based on one or more of the following criteria: it is a conservative change, it occurs at a poorly conserved position in the protein, it is predicted to be benign by multiple in silico algorithms, and/or has population frequency not consistent with disease.